The following is an entry in ClinVar:

NM_002968.3(SALL1):c.2638C>A (p.Gln880Lys)

Gene: SALL1 (spalt like transcription factor 1; minus strand). Cytogenetic location: 16q12.1.
Variant type: single nucleotide variant.
Coding change: c.2638C>A on transcript NM_002968.3 (MANE Select); coding-DNA position 2638, C replaced by A.
Protein change: p.Gln880Lys; replaces glutamine 880 with lysine.
Molecular consequence: missense variant.
Genome position (GRCh38, 1-based): chr16:51,139,584, G>T on the plus strand (C>A on the coding strand, the complement: SALL1 is on the minus strand). VCF-style: chr16-51139584-G-T. GRCh37 (hg19) VCF-style: chr16-51173495-G-T.
Other names: c.2347C>A, p.Gln783Lys (NM_001127892.2); short protein forms Q783K, Q880K.
Identifiers: ClinVar variation 4991527 (VCV004991527.1).
Genomic context (GRCh38, chr16:51,139,584, plus strand): 5'-TGGTCAGGACATCCCCCTCGATGGACCCATTCTCCACTGACTTCAGGCTGGCCTGTAGCT[G>T]CTCTGCCAGGCCAGCATTGATCATCTTCATCTGATTTTCCAAAGCAGCGATGCTCGACAT-3'
Protein context (NP_002959.2, residues 870-890): MKMINAGLAE[Gln880Lys]LQASLKSVEN

ClinVar aggregate classification (germline): Uncertain significance (1 of 4 stars; one submission).

Conditions:
SALL1-related disorder. Also called: SALL1-related condition.

Submission:

PreventionGenetics, part of Exact Sciences
Classification: Uncertain significance for SALL1-related condition. Last evaluated: 2026-08-04. Review status: criteria provided, single submitter. Criteria: ACMG Guidelines, 2015. Collection method: clinical testing. Allele origin: germline.
Comment: The SALL1 c.2638C>A variant is predicted to result in the amino acid substitution p.Gln880Lys. To our knowledge, this variant has not been reported in the literature or in a large population database (gnomAD), indicating this variant is rare. At this time, the clinical significance of this variant is uncertain due to the absence of conclusive functional and genetic evidence.